The following is an entry in ClinVar:

ClinVar aggregate classification (germline): Uncertain significance (1 of 4 stars; one submission).

Conditions:
ALMS1-related disorder. Also called: ALMS1-related condition.

Submission:

PreventionGenetics, part of Exact Sciences
Classification: Uncertain significance for ALMS1-related condition. Last evaluated: 2026-05-05. Review status: criteria provided, single submitter. Criteria: ACMG Guidelines, 2015. Collection method: clinical testing. Allele origin: germline.
Comment: The ALMS1 c.3805G>C variant is predicted to result in the amino acid substitution p.Glu1269Gln. To our knowledge, this variant has not been reported in the literature or in a large population database (gnomAD), indicating this variant is rare. At this time, the clinical significance of this variant is uncertain due to the absence of conclusive functional and genetic evidence.

NM_001378454.1(ALMS1):c.3802G>C (p.Ala1268Pro)

Gene: ALMS1 (ALMS1 centrosome and basal body associated protein; plus strand). Cytogenetic location: 2p13.1.
Variant type: single nucleotide variant.
Coding change: c.3802G>C on transcript NM_001378454.1 (MANE Select); coding-DNA position 3802, G replaced by C.
Protein change: p.Ala1268Pro; replaces alanine 1268 with proline.
Molecular consequence: missense variant.
Genome position (GRCh38, 1-based): chr2:73,450,329, G>C. VCF-style: chr2-73450329-G-C. GRCh37 (hg19) VCF-style: chr2-73677456-G-C.
Other names: c.3805G>C, p.Ala1269Pro (NM_015120.4); short protein forms A1268P, A1269P.
Identifiers: ClinVar variation 4981071 (VCV004981071.1).